The following is an entry in ClinVar:

NM_000112.4(SLC26A2):c.700-1G>C

Gene: SLC26A2 (solute carrier family 26 member 2; plus strand). Cytogenetic location: 5q32.
Variant type: single nucleotide variant.
Coding change: c.700-1G>C on transcript NM_000112.4 (MANE Select); the canonical splice acceptor site of the intron before coding-DNA position 700, G replaced by C.
Molecular consequence: splice acceptor variant.
Genome position (GRCh38, 1-based): chr5:149,980,292, G>C. VCF-style: chr5-149980292-G-C. GRCh37 (hg19) VCF-style: chr5-149359855-G-C.
Identifiers: ClinVar variation 56027 (VCV000056027.16), dbSNP rs200963884, ClinGen allele CA263275.

ClinVar aggregate classification (germline): Pathogenic/Likely pathogenic. Review status: criteria provided, multiple submitters, no conflicts (2 of 4 stars). 9 submissions from 9 submitters: Pathogenic (4); Likely pathogenic (3). 2 of the submissions do not count toward it. Last evaluated 2025-12-28.

Conditions:
Osteochondrodysplasia. Identifiers: MedGen C0029422, MONDO:0005516.
SLC26A2-related disorder. Also called: SLC26A2-related condition; SLC26A2-related disorders. Identifiers: MedGen CN239404.
Multiple epiphyseal dysplasia type 4 (EDM4). Also called: Multiple Epiphyseal Dysplasia, Recessive; SLC26A2-Related Multiple Epiphyseal Dysplasia; MULTIPLE EPIPHYSEAL DYSPLASIA WITH BILAYERED PATELLAE; MULTIPLE EPIPHYSEAL DYSPLASIA WITH CLUBFOOT; MULTIPLE EPIPHYSEAL DYSPLASIA, AUTOSOMAL RECESSIVE. Identifiers: Orphanet 93307, MedGen C1847593, MONDO:0009189, OMIM 226900.
Achondrogenesis, type IB (ACG1B). Also called: Achondrogenesis Type 1B. Identifiers: Orphanet 932, Orphanet 93298, MedGen C0265274, MONDO:0010966, OMIM 600972.
Diastrophic dysplasia (DTD). Also called: Diastrophic dwarfism. Identifiers: Orphanet 628, MedGen C0220726, MONDO:0009107, OMIM 222600.
Atelosteogenesis type II (AO2). Also called: Neonatal osseous dysplasia 1; SLC26A2-Related Atelosteogenesis; NEONATAL OSSEOUS DYSPLASIA I. Identifiers: Orphanet 56304, MedGen C1850554, MONDO:0009727, OMIM 256050.

Allele frequency attached by ClinVar (database versions not stated): gnomAD exomes below 0.00001; gnomAD 0.00005; TOPMed 0.00010.
gnomAD v4.1: 11 of 1,612,766 alleles (0.00068%); highest among the groups gnomAD compares: Admixed American, 0.015%; no homozygotes.

Submissions (9):

Labcorp Genetics (formerly Invitae), Labcorp
Classification: Pathogenic for Atelosteogenesis type II; Multiple epiphyseal dysplasia type 4; Achondrogenesis, type IB; Diastrophic dysplasia. Last evaluated: 2025-12-28. Review status: criteria provided, single submitter. Criteria: Invitae Variant Classification Sherloc (09022015). Collection method: clinical testing. Allele origin: germline.
Comment: This sequence change affects an acceptor splice site in intron 2 of the SLC26A2 gene. While this variant is not anticipated to result in nonsense mediated decay, it likely alters RNA splicing and results in a disrupted protein product. This variant is not present in population databases (gnomAD no frequency). Disruption of this splice site has been observed in individual(s) with diastrophic dysplasia (PMID: 7923357, 21155763; internal data). In at least one individual the data is consistent with being in trans (on the opposite chromosome) from a pathogenic variant. This variant is also known as c.727-1G>C. ClinVar contains an entry for this variant (Variation ID: 56027). Variants that disrupt the consensus splice site are a relatively common cause of aberrant splicing (PMID: 17576681, 9536098). Algorithms developed to predict the effect of sequence changes on RNA splicing suggest that this variant may disrupt the consensus splice site. For these reasons, this variant has been classified as Pathogenic.

Dasa
Classification: Likely pathogenic. Last evaluated: 2025-07-17. Review status: criteria provided, single submitter. Criteria: DASA Assertion Criteria. Collection method: clinical testing. Allele origin: germline.
Comment: NM_000112.4(SLC26A2):c.700-1G>C affects a canonical splice site and is predicted to disrupt normal RNA splicing. Loss of function is an established disease mechanism for SLC26A2-associated disorders. This variant has been recurrently observed in individuals with SLC26A2-related disorders (PMID: 7923357; PMID: 21155763). Also, this variant is rare in population databases. Based on the currently available evidence, this variant is classified as likely pathogenic.

PreventionGenetics, part of Exact Sciences
Classification: Pathogenic for SLC26A2-related condition. Last evaluated: 2025-06-17. Review status: criteria provided, single submitter. Criteria: ACMG Guidelines, 2015. Collection method: clinical testing. Allele origin: germline.
Comment: The SLC26A2 c.700-1G>C variant is predicted to disrupt the AG splice acceptor site and interfere with normal splicing. While this variant is located in the canonical splice site of the last intron and may not result in nonsense mediated decay, it is likely to disrupt the protein product and truncating variants have been reported downstream of this alteration (Human Gene Mutation Database). This variant has been reported in individuals with diastrophic dysplasia, including in the compound heterozygous state (Hastbacka et al. 1994. PubMed ID: 7923357; Paganini et al. 2023. PubMed ID: 37454964; referred to as c.727-1G>C in Barbosa et al. 2010. PubMed ID: 21155763). This variant has not been reported in a large population database (gnomAD), indicating this variant is rare. Variants that disrupt the consensus splice acceptor site in SLC26A2 are expected to be pathogenic. This variant is interpreted as pathogenic.

Women's Health and Genetics/Laboratory Corporation of America, LabCorp
Classification: Pathogenic for Osteochondrodysplasia. Last evaluated: 2024-11-13. Review status: criteria provided, single submitter. Criteria: LabCorp Variant Classification Summary - May 2015. Collection method: clinical testing. Allele origin: germline.
Comment: Variant summary: SLC26A2 c.700-1G>C (also described as c.727-1G>C in the literature) is located in the canonical splice-site of the last intron and is predicted to affect mRNA splicing resulting in a significantly altered protein due to either exon skipping, shortening, or inclusion of intronic material. Variants that disrupt the consensus splice site are a relatively common cause of aberrant splicing and loss of SLC26A2 function. Several computational tools predict a significant impact on normal splicing: Four predict the variant abolishes a 3 acceptor site. Four predict the variant creates a 3 acceptor site. However, these predictions have yet to be confirmed by functional studies. The variant was absent in 251216 control chromosomes (gnomAD). c.700-1G>C has been reported in the literature in individuals affected with sulfate transporter-related osteochondrodysplasia (examples: Barbosa_2011, Hastbacka_1994, Silveira_2022). These data indicate that the variant is likely to be associated with disease. To our knowledge, no experimental evidence demonstrating an impact on protein function has been reported. The following publications have been ascertained in the context of this evaluation (PMID: 21155763, 11241838, 7923357, 34064542, 36660027). ClinVar contains an entry for this variant (Variation ID: 56027). Based on the evidence outlined above, the variant was classified as pathogenic.

Natera, Inc.
Classification: Likely pathogenic for Achondrogenesis type IB. Last evaluated: 2024-10-23. Review status: criteria provided, single submitter. Criteria: Natera Variant Classification Schema (03/2026). Collection method: clinical testing. Allele origin: germline.
Comment: The c.700-1G>C variant in SLC26A2 is a canonical splice acceptor site variant predicted to affect pre-mRNA splicing, which may result in an abnormal transcript and altered protein product. This variant may result in a truncated or dysfunctional protein product. This variant is rare in the general population with a frequency below the threshold expected for the associated phenotype(s). This variant has been observed in one or more individuals affected with the associated recessive disease, as either homozygous or compound heterozygous with a second variant (PMID: 36660027, 21155763, 37454964). Given the available evidence, this variant is classified as Likely Pathogenic.

Baylor Genetics
Classification: Pathogenic for Achondrogenesis, type IB. Last evaluated: 2024-03-26. Review status: criteria provided, single submitter. Criteria: ACMG Guidelines, 2015. Collection method: clinical testing. Allele origin: unknown.

Fulgent Genetics
Classification: Likely pathogenic for Diastrophic dysplasia; Multiple epiphyseal dysplasia type 4; Atelosteogenesis type II; Achondrogenesis, type IB. Last evaluated: 2021-10-28. Review status: criteria provided, single submitter. Criteria: ACMG Guidelines, 2015. Collection method: clinical testing. Allele origin: unknown.

Counsyl
Classification: Likely pathogenic for Multiple epiphyseal dysplasia 4. Last evaluated: 2014-06-13. Review status: no assertion criteria provided. Collection method: literature only. Allele origin: unknown. Inheritance: Autosomal recessive inheritance. Not counted in ClinVar's aggregate classification.

Juha Muilu Group; Institute for Molecular Medicine Finland (FIMM)
Classification: Likely pathogenic for Diastrophic dysplasia. Review status: no assertion criteria provided. Collection method: not provided. Allele origin: unknown. Not counted in ClinVar's aggregate classification.
Comment: FinDis database variant: This variant was not found or characterized by our laboratory, data were collected from public sources: see reference
ClinVar note: Converted during submission from probable-pathogenic to Likely pathogenic.

Literature cited by the submitters: PubMed 7923357 (cited by 4 submitters); PubMed 21155763 (cited by 5 submitters); PubMed 17576681 (cited by Labcorp Genetics (formerly Invitae), Labcorp); PubMed 9536098 (cited by Labcorp Genetics (formerly Invitae), Labcorp); PubMed 11241838 (cited by Women's Health and Genetics/Laboratory Corporation of America, LabCorp); PubMed 34064542 (cited by Women's Health and Genetics/Laboratory Corporation of America, LabCorp); PubMed 36660027 (cited by Women's Health and Genetics/Laboratory Corporation of America, LabCorp and Natera, Inc.); PubMed 37454964 (cited by Natera, Inc.).